The following is an entry in ClinVar:

NM_013382.7(POMT2):c.1495C>T (p.Gln499Ter)

Gene: POMT2 (protein O-mannosyltransferase 2; minus strand). Cytogenetic location: 14q24.3.
Variant type: single nucleotide variant.
Coding change: c.1495C>T on transcript NM_013382.7 (MANE Select); coding-DNA position 1495, C replaced by T.
Protein change: p.Gln499Ter; replaces glutamine 499 with a stop codon.
Molecular consequence: nonsense.
Genome position (GRCh38, 1-based): chr14:77,285,031, G>A on the plus strand (C>T on the coding strand, the complement: POMT2 is on the minus strand). VCF-style: chr14-77285031-G-A. GRCh37 (hg19) VCF-style: chr14-77751374-G-A.
Other names: short protein forms Q499*.
Identifiers: ClinVar variation 2941639 (VCV002941639.3), dbSNP rs2503193443, ClinGen allele CA390517137.

ClinVar aggregate classification (germline): Pathogenic (1 of 4 stars; one submission).

Conditions:
Muscular dystrophy-dystroglycanopathy (congenital with impaired intellectual development), type B, 2. Also called: MUSCULAR DYSTROPHY, CONGENITAL, POMT2-RELATED; Muscular dystrophy-dystroglycanopathy (congenital with intellectual disability), type B2. Identifiers: MedGen C3150416, MONDO:0013160, OMIM 613156.
Muscular dystrophy-dystroglycanopathy (congenital with brain and eye anomalies), type A2. Also called: MUSCULAR DYSTROPHY-DYSTROGLYCANOPATHY (CONGENITAL WITH BRAIN AND EYE ANOMALIES), TYPE A, 2; WALKER-WARBURG SYNDROME OR MUSCLE-EYE-BRAIN DISEASE, POMT2-RELATED. Identifiers: Orphanet 588, Orphanet 899, MedGen C3150411, MONDO:0013154, OMIM 613150.
Autosomal recessive limb-girdle muscular dystrophy type 2N. Also called: MUSCULAR DYSTROPHY-DYSTROGLYCANOPATHY, LIMB-GIRDLE, POMT2-RELATED; Muscular dystrophy-dystroglycanopathy (limb-girdle), type C, 2. Identifiers: Orphanet 206559, MedGen C3150418, MONDO:0013162, OMIM 613158.

Submission:

Labcorp Genetics (formerly Invitae), Labcorp
Classification: Pathogenic for Muscular dystrophy-dystroglycanopathy (congenital with impaired intellectual development), type B, 2; Muscular dystrophy-dystroglycanopathy (congenital with brain and eye anomalies), type A2; Autosomal recessive limb-girdle muscular dystrophy type 2N. Last evaluated: 2022-11-18. Review status: criteria provided, single submitter. Criteria: Invitae Variant Classification Sherloc (09022015). Collection method: clinical testing. Allele origin: germline.
Comment: For these reasons, this variant has been classified as Pathogenic. This variant has not been reported in the literature in individuals affected with POMT2-related conditions. This variant is not present in population databases (gnomAD no frequency). This sequence change creates a premature translational stop signal (p.Gln499*) in the POMT2 gene. It is expected to result in an absent or disrupted protein product. Loss-of-function variants in POMT2 are known to be pathogenic (PMID: 15894594).

Literature cited by the submitters: PubMed 15894594.